The following is an entry in ClinVar:

ClinVar aggregate classification (germline): Likely benign. Review status: criteria provided, multiple submitters, no conflicts (2 of 4 stars). 3 submissions from 3 submitters: Likely benign (2). 1 of the submissions does not count toward it. Last evaluated 2025-04-01.

Conditions:
FSIP2-related disorder. Also called: FSIP2-related condition.

Allele frequency attached by ClinVar (database versions not stated): TOPMed 0.00104; ESP Exome Variant Server 0.00128; gnomAD 0.00132 and 0.00146; gnomAD exomes 0.00173 and 0.00204; ExAC 0.00233.
gnomAD v4.1: 3,163 of 1,605,892 alleles (0.2%); highest among the groups gnomAD compares: Non-Finnish European, 0.24%; 6 homozygotes.

Submissions (3):

CeGaT Center for Human Genetics Tuebingen
Classification: Likely benign. Last evaluated: 2025-04-01. Review status: criteria provided, single submitter. Criteria: CeGaT Center For Human Genetics Tuebingen Variant Classification Criteria Version 2. Collection method: clinical testing. Allele origin: germline. Affected: yes. Observed: 2 variant alleles.
Comment: FSIP2: BP4, BP7

Blueprint Genetics
Classification: Likely benign. Last evaluated: 2024-11-18. Review status: criteria provided, single submitter. Criteria: ACMG Guidelines, 2015. Collection method: clinical testing. Allele origin: germline.

PreventionGenetics, part of Exact Sciences
Classification: Likely benign for FSIP2-related condition. Last evaluated: 2019-03-20. Review status: no assertion criteria provided. Collection method: clinical testing. Allele origin: germline. Not counted in ClinVar's aggregate classification.
Comment: This variant is classified as likely benign based on ACMG/AMP sequence variant interpretation guidelines (Richards et al. 2015 PMID: 25741868, with internal and published modifications).

NM_173651.4(FSIP2):c.19356A>G (p.Lys6452=)

Gene: FSIP2 (fibrous sheath interacting protein 2; plus strand). Cytogenetic location: 2q32.1.
Variant type: single nucleotide variant.
Coding change: c.19356A>G on transcript NM_173651.4 (MANE Select); coding-DNA position 19356, A replaced by G.
Protein change: p.Lys6452=; no amino-acid change (lysine 6452 retained).
Molecular consequence: synonymous variant.
Genome position (GRCh38, 1-based): chr2:185,808,662, A>G. VCF-style: chr2-185808662-A-G. GRCh37 (hg19) VCF-style: chr2-186673389-A-G.
Other names: c.19356A>G (NM_173651.3).
Identifiers: ClinVar variation 1298850 (VCV001298850.37), dbSNP rs200925453, ClinGen allele CA2017690.